The following is an entry in ClinVar:

ClinVar aggregate classification (germline): Conflicting classifications of pathogenicity. Review status: criteria provided, conflicting classifications (1 of 4 stars). 2 submissions from 2 submitters: Uncertain significance (1); Likely benign (1). Last evaluated 2023-03-23.

Conditions:
Hereditary cancer-predisposing syndrome. Also called: Neoplastic Syndromes, Hereditary; Tumor predisposition; Hereditary Cancer Syndrome; Hereditary neoplastic syndrome. Identifiers: Orphanet 140162, MedGen C0027672, MeSH D009386, MONDO:0015356.

Submissions (2):

University of Washington Department of Laboratory Medicine, University of Washington
Classification: Likely benign for Hereditary cancer-predisposing syndrome. Last evaluated: 2023-03-23. Review status: criteria provided, single submitter. Criteria: Dines et al. (Genet Med. 2020). Collection method: curation. Allele origin: germline.
Comment: Missense variant in a coldspot region where missense variants are very unlikely to be pathogenic (PMID:31911673).

BRCA1 coldspot (exon 11 using historical exon numbering). Reclassification based on statistical prior probability

Color Diagnostics, LLC DBA Color Health
Classification: Uncertain significance for Hereditary cancer-predisposing syndrome. Last evaluated: 2019-03-14. Review status: criteria provided, single submitter. Criteria: ACMG Guidelines, 2015. Collection method: clinical testing. Allele origin: germline.

NM_007294.4(BRCA1):c.1577A>C (p.Gln526Pro)

Gene: BRCA1 (BRCA1 DNA repair associated; minus strand). Cytogenetic location: 17q21.31.
Variant type: single nucleotide variant.
Coding change: c.1577A>C on transcript NM_007294.4 (MANE Select); coding-DNA position 1577, A replaced by C.
Protein change: p.Gln526Pro; replaces glutamine 526 with proline.
Molecular consequence: missense variant. On other transcripts: intron variant (137).
Genome position (GRCh38, 1-based): chr17:43,093,954, T>G on the plus strand (A>C on the coding strand, the complement: BRCA1 is on the minus strand). VCF-style: chr17-43093954-T-G. GRCh37 (hg19) VCF-style: chr17-41245971-T-G.
Other names: c.1433A>C, p.Gln478Pro (NM_001407848.1, NM_001407849.1, NM_001407740.1 and 20 more transcripts); c.1376A>C, p.Gln459Pro (NM_001407862.1); c.1454A>C, p.Gln485Pro (NM_001407863.1, NM_001407648.1, NM_001407664.1 and 19 more transcripts); c.1373A>C, p.Gln458Pro (NM_001407874.1, NM_001407875.1); c.1577A>C, p.Gln526Pro (NM_001407854.1, NM_001407858.1, NM_001407859.1 and 30 more transcripts); c.1436A>C, p.Gln479Pro (NM_001407850.1, NM_001407851.1, NM_001407852.1 and 29 more transcripts); c.1574A>C, p.Gln525Pro (NM_001407860.1, NM_001407861.1, NM_001407587.1 and 22 more transcripts); c.1364A>C, p.Gln455Pro (NM_001407853.1, NM_001407571.1, NM_001407894.1 and 9 more transcripts); and 40 more; short protein forms Q526P, Q479P, Q230P, Q358P, Q456P, Q458P, Q523P, Q414P.
Identifiers: ClinVar variation 923531 (VCV000923531.5), dbSNP rs2053917320, ClinGen allele CA10598895.